The following is an entry in ClinVar:

ClinVar aggregate classification (germline): Likely benign (0 of 4 stars; one submission).

Conditions:
RAB3GAP1-related disorder. Also called: RAB3GAP1-related condition; RAB3GAP1-related disorders.

Allele frequency attached by ClinVar (database versions not stated): gnomAD 0.00001; gnomAD exomes 0.00001; TOPMed 0.00004.
gnomAD v4.1: 9 of 1,584,258 alleles (0.00057%); highest among the groups gnomAD compares: Admixed American, 0.005%; no homozygotes.

Submission:

PreventionGenetics, part of Exact Sciences
Classification: Likely benign for RAB3GAP1-related condition. Last evaluated: 2021-05-19. Review status: no assertion criteria provided. Collection method: clinical testing. Allele origin: germline.
Comment: This variant is classified as likely benign based on ACMG/AMP sequence variant interpretation guidelines (Richards et al. 2015 PMID: 25741868, with internal and published modifications).

NM_012233.3(RAB3GAP1):c.649-3T>C

Gene: RAB3GAP1 (RAB3 GTPase activating protein catalytic subunit 1; plus strand). Cytogenetic location: 2q21.3.
Variant type: single nucleotide variant.
Coding change: c.649-3T>C on transcript NM_012233.3 (MANE Select); 3 bases into the intron before coding-DNA position 649, T replaced by C.
Molecular consequence: intron variant.
Genome position (GRCh38, 1-based): chr2:135,120,816, T>C. VCF-style: chr2-135120816-T-C. GRCh37 (hg19) VCF-style: chr2-135878386-T-C.
Other names: c.649-3T>C (NM_001172435.2).
Identifiers: ClinVar variation 3029719 (VCV003029719.2), dbSNP rs1348318032, ClinGen allele CA536388432.